The following is an entry in ClinVar:

ClinVar aggregate classification (germline): Benign (1 of 4 stars; one submission).

Conditions:
Juvenile polyposis syndrome (JPS). Identifiers: Orphanet 2929, MedGen C0345893, MONDO:0017380, OMIM 174900.

Submission:

Myriad Genetics, Inc.
Classification: Benign for Juvenile polyposis syndrome. Last evaluated: 2024-08-07. Review status: criteria provided, single submitter. Criteria: Myriad Autosomal Dominant, Autosomal Recessive and X-Linked Classification Criteria (2023). Collection method: clinical testing. Allele origin: unknown.
Comment: This variant is considered benign. This variant is intronic and is not expected to impact mRNA splicing.

NM_004329.3(BMPR1A):c.1342+10dup

Gene: BMPR1A (bone morphogenetic protein receptor type 1A; plus strand). Cytogenetic location: 10q23.2.
Variant type: Duplication.
Coding change: c.1342+10dup on transcript NM_004329.3 (MANE Select); 10 bases into the intron after coding-DNA position 1342, one base duplicated (T; older notation c.1342+10dupT).
Molecular consequence: intron variant.
Genome position (GRCh38, 1-based): chr10:86,921,705, T duplicated; the last of 3 consecutive T bases (chr10:86,921,703-86,921,705); duplicating any one gives the same sequence. VCF-style (leftmost placement, unchanged base first): chr10-86921702-G-GT. GRCh37 (hg19) VCF-style: chr10-88681459-G-GT.
Other names: c.1342+10dup (NM_001406562.1, NM_001406568.1, NM_001406567.1 and 19 more transcripts); c.1258+10dup (NM_001406584.1, NM_001406588.1, NM_001406587.1 and 2 more transcripts); c.1390+10dup (NM_001406560.1); c.1417+10dup (NM_001406559.1); c.1336+10dup (NM_001406583.1); c.1000+10dup (NM_001406589.1).
Identifiers: ClinVar variation 3379206 (VCV003379206.1).